The following is an entry in ClinVar:

ClinVar aggregate classification (germline): Uncertain significance. Review status: criteria provided, multiple submitters, no conflicts (2 of 4 stars). 2 submissions from 2 submitters: Uncertain significance (2). Last evaluated 2025-12-26.

Conditions:
Tumor predisposition syndrome 3 (TPDS3). Also called: Melanoma, cutaneous malignant, susceptibility to, 10; Glioma susceptibility 9; LONG TELOMERE SYNDROME, POT1-RELATED; POT1 Tumor Predisposition. Identifiers: Orphanet 618, MedGen C4014476, MONDO:0014368, OMIM 615848.

gnomAD v4.1: 1 of 1,581,008 alleles (0.000063%); no homozygotes.

Submissions (2):

Labcorp Genetics (formerly Invitae), Labcorp
Classification: Uncertain significance for Tumor predisposition syndrome 3. Last evaluated: 2025-12-26. Review status: criteria provided, single submitter. Criteria: Invitae Variant Classification Sherloc (09022015). Collection method: clinical testing. Allele origin: germline.
Comment: This sequence change falls in intron 14 of the POT1 gene. It does not directly change the encoded amino acid sequence of the POT1 protein. It affects a nucleotide within the consensus splice site. This variant is not present in population databases (gnomAD no frequency). This variant has not been reported in the literature in individuals affected with POT1-related conditions. ClinVar contains an entry for this variant (Variation ID: 854098). Variants that disrupt the consensus splice site are a relatively common cause of aberrant splicing (PMID: 17576681, 9536098). Algorithms developed to predict the effect of sequence changes on RNA splicing suggest that this variant is not likely to affect RNA splicing. In summary, the available evidence is currently insufficient to determine the role of this variant in disease. Therefore, it has been classified as a Variant of Uncertain Significance.

Quest Diagnostics Nichols Institute San Juan Capistrano
Classification: Uncertain significance. Last evaluated: 2023-09-08. Review status: criteria provided, single submitter. Criteria: Quest Diagnostics criteria. Collection method: clinical testing. Allele origin: unknown.
Comment: This variant has not been reported in the published literature. It also has not been reported in large, multi-ethnic general populations (Genome Aggregation Database). Analysis of this variant using software algorithms for the prediction of the effect of nucleotide changes on POT1 mRNA splicing yielded predictions that this variant may result in the gain of a cryptic splice site without affecting the natural splice sites . Based on the available information, we are unable to determine the clinical significance of this variant.

Literature cited by the submitters: PubMed 17576681 (cited by Labcorp Genetics (formerly Invitae), Labcorp); PubMed 9536098 (cited by Labcorp Genetics (formerly Invitae), Labcorp).

NM_015450.3(POT1):c.1369+6A>G

Gene: POT1 (protection of telomeres 1; minus strand). Cytogenetic location: 7q31.33.
Variant type: single nucleotide variant.
Coding change: c.1369+6A>G on transcript NM_015450.3 (MANE Select); 6 bases into the intron after coding-DNA position 1369, A replaced by G.
Molecular consequence: intron variant.
Genome position (GRCh38, 1-based): chr7:124,840,967, T>C on the plus strand (A>G on the coding strand, the complement: POT1 is on the minus strand). VCF-style: chr7-124840967-T-C. GRCh37 (hg19) VCF-style: chr7-124481021-T-C.
Other names: c.976+6A>G (NM_001042594.2).
Identifiers: ClinVar variation 854098 (VCV000854098.11), dbSNP rs1562980753, ClinGen allele CA369066536.